The following is an entry in ClinVar:

NM_001182.5(ALDH7A1):c.1088G>A (p.Trp363Ter)

Gene: ALDH7A1 (aldehyde dehydrogenase 7 family member A1; minus strand). Cytogenetic location: 5q23.2.
Variant type: single nucleotide variant.
Coding change: c.1088G>A on transcript NM_001182.5 (MANE Select); coding-DNA position 1088, G replaced by A.
Protein change: p.Trp363Ter; replaces tryptophan 363 with a stop codon.
Molecular consequence: nonsense. On other transcripts: intron variant (1).
Genome position (GRCh38, 1-based): chr5:126,555,936, C>T on the plus strand (G>A on the coding strand, the complement: ALDH7A1 is on the minus strand). VCF-style: chr5-126555936-C-T. GRCh37 (hg19) VCF-style: chr5-125891628-C-T.
Other names: c.1004G>A, p.Trp335Ter (NM_001201377.2); c.1008+3304G>A (NM_001202404.2); short protein forms W335*, W363*.
Identifiers: ClinVar variation 1355701 (VCV001355701.6), dbSNP rs781254582, ClinGen allele CA3389539.
Genomic context (GRCh38, chr5:126,555,936, plus strand): 5'-TGTTAACAACAGCTCTCAAAAAGGGATCGCTTTGAAAGCAGAAGGAGATACTCACGGTCC[C>T]ATGGGTTCCCAACTCGGATCTGTGCATAGGCCTTTTTAAGTCTGTTTACAACCTCATCAT-3'

ClinVar aggregate classification (germline): Pathogenic (1 of 4 stars; one submission).

Conditions:
Pyridoxine-dependent epilepsy (EPEO4). Also called: Pyridoxine-Dependent Epilepsy - ALDH7A1; PYRIDOXINE DEPENDENCY WITH SEIZURES; EPILEPSY, EARLY-ONSET, 4, VITAMIN B6-DEPENDENT; Pyridoxine-Dependent Seizures. Identifiers: Orphanet 3006, MedGen C1849508, MONDO:0009945, OMIM 266100. Disease mechanism: loss of function.

Allele frequency attached by ClinVar (database versions not stated): ExAC 0.00002; gnomAD exomes 0.00002 and 0.00001.

Submission:

Labcorp Genetics (formerly Invitae), Labcorp
Classification: Pathogenic for Pyridoxine-dependent epilepsy. Last evaluated: 2025-04-11. Review status: criteria provided, single submitter. Criteria: Invitae Variant Classification Sherloc (09022015). Collection method: clinical testing. Allele origin: germline.
Comment: This sequence change creates a premature translational stop signal (p.Trp363*) in the ALDH7A1 gene. It is expected to result in an absent or disrupted protein product. Loss-of-function variants in ALDH7A1 are known to be pathogenic (PMID: 16491085, 20554659). This variant is present in population databases (rs781254582, gnomAD 0.003%). This premature translational stop signal has been observed in individual(s) with pyridoxine-dependent seizures (PMID: 19128417). This variant is also known as p.W335X. ClinVar contains an entry for this variant (Variation ID: 1355701). For these reasons, this variant has been classified as Pathogenic.

Literature cited by the submitters: PubMed 16491085; PubMed 20554659; PubMed 19128417.